The following is an entry in ClinVar:

NM_194277.3(FRMD7):c.2044G>A (p.Gly682Ser)

Gene: FRMD7 (FERM domain containing 7; minus strand). Cytogenetic location: Xq26.2.
Variant type: single nucleotide variant.
Coding change: c.2044G>A on transcript NM_194277.3 (MANE Select); coding-DNA position 2044, G replaced by A.
Protein change: p.Gly682Ser; replaces glycine 682 with serine.
Molecular consequence: missense variant.
Genome position (GRCh38, 1-based): chrX:132,077,973, C>T on the plus strand (G>A on the coding strand, the complement: FRMD7 is on the minus strand). VCF-style: chrX-132077973-C-T. GRCh37 (hg19) VCF-style: chrX-131212001-C-T.
Other names: c.1999G>A, p.Gly667Ser (NM_001306193.2); short protein forms G682S, G667S.
Identifiers: ClinVar variation 1359160 (VCV001359160.8), dbSNP rs2124206402, ClinGen allele CA414677737.

ClinVar aggregate classification (germline): Uncertain significance (1 of 4 stars; one submission).

Submission:

Labcorp Genetics (formerly Invitae), Labcorp
Classification: Uncertain significance. Last evaluated: 2021-05-06. Review status: criteria provided, single submitter. Criteria: Invitae Variant Classification Sherloc (09022015). Collection method: clinical testing. Allele origin: germline.
Comment: This sequence change replaces glycine with serine at codon 682 of the FRMD7 protein (p.Gly682Ser). The glycine residue is highly conserved and there is a small physicochemical difference between glycine and serine. This variant is not present in population databases (ExAC no frequency). This variant has been observed in individual(s) with nystagmus (PMID: 31519934). Algorithms developed to predict the effect of missense changes on protein structure and function are either unavailable or do not agree on the potential impact of this missense change (SIFT: "Deleterious"; PolyPhen-2: "Probably Damaging"; Align-GVGD: "Class C0"). Algorithms developed to predict the effect of sequence changes on RNA splicing suggest that this variant may create or strengthen a splice site, but this prediction has not been confirmed by published transcriptional studies. In summary, the available evidence is currently insufficient to determine the role of this variant in disease. Therefore, it has been classified as a Variant of Uncertain Significance.

Literature cited by the submitters: PubMed 31519934.